The following is an entry in ClinVar:

ClinVar aggregate classification (germline): Pathogenic (1 of 4 stars; one submission).

Conditions:
Early-infantile DEE. Also called: Early infantile epileptic encephalopathy; Ohtahara syndrome; Early infantile epileptic encephalopathy with suppression bursts. Identifiers: Orphanet 1934, MedGen C0393706, MONDO:0800491.

Submission:

Labcorp Genetics (formerly Invitae), Labcorp
Classification: Pathogenic for Early-infantile DEE. Last evaluated: 2022-03-26. Review status: criteria provided, single submitter. Criteria: Invitae Variant Classification Sherloc (09022015). Collection method: clinical testing. Allele origin: germline.
Comment: For these reasons, this variant has been classified as Pathogenic. This variant has not been reported in the literature in individuals affected with SCN1A-related conditions. This variant is not present in population databases (gnomAD no frequency). This sequence change creates a premature translational stop signal (p.Lys123*) in the SCN1A gene. It is expected to result in an absent or disrupted protein product. Loss-of-function variants in SCN1A are known to be pathogenic (PMID: 17347258, 18930999).

Literature cited by the submitters: PubMed 17347258; PubMed 18930999.

NM_001165963.4(SCN1A):c.367A>T (p.Lys123Ter)

Gene: SCN1A (sodium voltage-gated channel alpha subunit 1; minus strand). Cytogenetic location: 2q24.3.
Variant type: single nucleotide variant.
Coding change: c.367A>T on transcript NM_001165963.4 (MANE Select); coding-DNA position 367, A replaced by T.
Protein change: p.Lys123Ter; replaces lysine 123 with a stop codon.
Molecular consequence: nonsense. On other transcripts: 5 prime UTR variant (1), non-coding transcript variant (1).
Genome position (GRCh38, 1-based): chr2:166,058,586, T>A on the plus strand (A>T on the coding strand, the complement: SCN1A is on the minus strand). VCF-style: chr2-166058586-T-A. GRCh37 (hg19) VCF-style: chr2-166915096-T-A.
Other names: c.367A>T, p.Lys123Ter (NM_001165964.3, NM_001202435.3, NM_001353948.2 and 10 more transcripts); c.-2059A>T (NM_001353961.2); short protein forms K123*.
Identifiers: ClinVar variation 2116962 (VCV002116962.4), dbSNP rs2468271732, ClinGen allele CA349076824.